The following is an entry in ClinVar:

ClinVar aggregate classification (germline): Pathogenic (1 of 4 stars; one submission).

Conditions:
Neurofibromatosis, type 1 (NF1). Also called: VON RECKLINGHAUSEN DISEASE; Peripheral type neurofibromatosis; Neurofibromatosis, type I; NEUROFIBROMATOSIS, TYPE I, SOMATIC. Identifiers: Orphanet 636, MedGen C0027831, MONDO:0018975, OMIM 162200. Disease mechanism: loss of function.

Submission:

Labcorp Genetics (formerly Invitae), Labcorp
Classification: Pathogenic for Neurofibromatosis, type 1. Last evaluated: 2022-12-02. Review status: criteria provided, single submitter. Criteria: Invitae Variant Classification Sherloc (09022015). Collection method: clinical testing. Allele origin: germline.
Comment: For these reasons, this variant has been classified as Pathogenic. This variant has not been reported in the literature in individuals affected with NF1-related conditions. This variant is not present in population databases (gnomAD no frequency). This sequence change creates a premature translational stop signal (p.Thr1996Profs*10) in the NF1 gene. It is expected to result in an absent or disrupted protein product. Loss-of-function variants in NF1 are known to be pathogenic (PMID: 10712197, 23913538).

Literature cited by the submitters: PubMed 10712197; PubMed 23913538.

NM_001042492.3(NF1):c.6049del (p.Thr2017fs)

Gene: NF1 (neurofibromin 1; plus strand). Cytogenetic location: 17q11.2.
Variant type: Deletion.
Coding change: c.6049del on transcript NM_001042492.3 (MANE Select); coding-DNA position 6049, one base deleted (A; older notation c.6049delA).
Protein change: p.Thr2017fs; shifts the reading frame from threonine 2017.
Molecular consequence: frameshift variant.
Genome position (GRCh38, 1-based): chr17:31,336,375, A deleted; the last of 4 consecutive A bases (chr17:31,336,372-31,336,375); deleting any one gives the same sequence. VCF-style (leftmost placement, unchanged base first): chr17-31336371-CA-C. GRCh37 (hg19) VCF-style: chr17-29663389-CA-C.
Other names: c.5986delA, p.Thr1996Profs (NM_000267.4); short protein forms T1996fs, T2017fs.
Identifiers: ClinVar variation 2818013 (VCV002818013.3), dbSNP rs2508744768, ClinGen allele CA2739267488.
Genomic context (GRCh38, chr17:31,336,371, plus strand): 5'-GTTATTTTCCTTCTTCAACTAGATTACAGATCTGCTTGATGTTGTACTAGACAGTTTCAT[CA>C]AAACCAGTGCAACAGGTGGCTTGGGATCAATAAAAGCTGAGGTGATGGCAGATACTGCTG-3'